The following is an entry in ClinVar:

NM_020738.4(KIDINS220):c.2471G>A (p.Arg824Gln)

Gene: KIDINS220 (kinase D interacting substrate 220; minus strand). Cytogenetic location: 2p25.1.
Variant type: single nucleotide variant.
Coding change: c.2471G>A on transcript NM_020738.4 (MANE Select); coding-DNA position 2471, G replaced by A.
Protein change: p.Arg824Gln; replaces arginine 824 with glutamine.
Molecular consequence: missense variant. On other transcripts: non-coding transcript variant (2).
Genome position (GRCh38, 1-based): chr2:8,779,039, C>T on the plus strand (G>A on the coding strand, the complement: KIDINS220 is on the minus strand). VCF-style: chr2-8779039-C-T. GRCh37 (hg19) VCF-style: chr2-8919169-C-T.
Other names: p.Arg824Gln; c.2474G>A, p.Arg825Gln (NM_001348729.2, NM_001348731.2, NM_001348734.2 and 3 more transcripts); c.2471G>A, p.Arg824Gln (NM_001348732.2, NM_001348735.2, NM_001348738.2 and 3 more transcripts); c.2345G>A, p.Arg782Gln (NM_001348736.2); short protein forms R825Q, R824Q, R782Q.
Identifiers: ClinVar variation 4542533 (VCV004542533.2).

ClinVar aggregate classification (germline): Uncertain significance. Review status: criteria provided, multiple submitters, no conflicts (2 of 4 stars). 2 submissions from 2 submitters: Uncertain significance (2). Last evaluated 2025-10-08.

gnomAD v4.1: 4 of 1,613,894 alleles (0.00025%); highest among the groups gnomAD compares: East Asian, 0.0022%; no homozygotes.

Submissions (2):

Mayo Clinic Laboratories, Mayo Clinic
Classification: Uncertain significance. Last evaluated: 2025-10-08. Review status: criteria provided, single submitter. Criteria: ACMG Guidelines, 2015. Collection method: clinical testing. Allele origin: germline. Observed: 1 variant allele.
Comment: PM2_supporting

Labcorp Genetics (formerly Invitae), Labcorp
Classification: Uncertain significance. Last evaluated: 2025-06-27. Review status: criteria provided, single submitter. Criteria: Invitae Variant Classification Sherloc (09022015). Collection method: clinical testing. Allele origin: germline.
Comment: This sequence change replaces arginine, which is basic and polar, with glutamine, which is neutral and polar, at codon 824 of the KIDINS220 protein (p.Arg824Gln). This variant is present in population databases (rs773977468, gnomAD 0.01%). This variant has not been reported in the literature in individuals affected with KIDINS220-related conditions. An algorithm developed to predict the effect of missense changes on protein structure and function (PolyPhen-2) suggests that this variant is likely to be disruptive. In summary, the available evidence is currently insufficient to determine the role of this variant in disease. Therefore, it has been classified as a Variant of Uncertain Significance.